The following is an entry in ClinVar:

NM_020778.5(ALPK3):c.2663C>T (p.Thr888Ile)

Gene: ALPK3 (alpha kinase 3; plus strand). Cytogenetic location: 15q25.3.
Variant type: single nucleotide variant.
Coding change: c.2663C>T on transcript NM_020778.5 (MANE Select); coding-DNA position 2663, C replaced by T.
Protein change: p.Thr888Ile; replaces threonine 888 with isoleucine.
Molecular consequence: missense variant.
Genome position (GRCh38, 1-based): chr15:84,857,401, C>T. VCF-style: chr15-84857401-C-T. GRCh37 (hg19) VCF-style: chr15-85400632-C-T.
Other names: short protein forms T888I.
Identifiers: ClinVar variation 3617255 (VCV003617255.2).
Genomic context (GRCh38, chr15:84,857,401, plus strand): 5'-CTTCTCTTCCTGGAACTGGGCTGACAGCTAGCCCAAAGGCGGGGCCGTGTAGCACCCCGA[C>T]TTCTCAGCACGGGAGCACAGCCACCTTCCTGCCCTCTGAGGATCAGGTCCTGATGAGTTC-3'
Protein context (NP_065829.4, residues 878-898): SPKAGPCSTP[Thr888Ile]SQHGSTATFL

ClinVar aggregate classification (germline): Uncertain significance (1 of 4 stars; one submission).

gnomAD v4.1: 2 of 1,614,144 alleles (0.00012%); highest among the groups gnomAD compares: Non-Finnish European, 0.00017%; no homozygotes.

Submission:

Labcorp Genetics (formerly Invitae), Labcorp
Classification: Uncertain significance. Last evaluated: 2024-07-23. Review status: criteria provided, single submitter. Criteria: Invitae Variant Classification Sherloc (09022015). Collection method: clinical testing. Allele origin: germline.
Comment: This sequence change replaces threonine, which is neutral and polar, with isoleucine, which is neutral and non-polar, at codon 1090 of the ALPK3 protein (p.Thr1090Ile). This variant is not present in population databases (gnomAD no frequency). This variant has not been reported in the literature in individuals affected with ALPK3-related conditions. An algorithm developed to predict the effect of missense changes on protein structure and function (PolyPhen-2) suggests that this variant is likely to be tolerated. In summary, the available evidence is currently insufficient to determine the role of this variant in disease. Therefore, it has been classified as a Variant of Uncertain Significance.